The following is an entry in ClinVar:

ClinVar aggregate classification (germline): Uncertain significance (1 of 4 stars; one submission).

gnomAD v4.1: 4 of 1,614,172 alleles (0.00025%); highest among the groups gnomAD compares: East Asian, 0.0022%; no homozygotes.

Submission:

Labcorp Genetics (formerly Invitae), Labcorp
Classification: Uncertain significance. Last evaluated: 2024-11-03. Review status: criteria provided, single submitter. Criteria: Invitae Variant Classification Sherloc (09022015). Collection method: clinical testing. Allele origin: germline.
Comment: This sequence change replaces valine, which is neutral and non-polar, with methionine, which is neutral and non-polar, at codon 1047 of the RUSC2 protein (p.Val1047Met). This variant is present in population databases (rs780101951, gnomAD 0.006%). This variant has not been reported in the literature in individuals affected with RUSC2-related conditions. An algorithm developed to predict the effect of missense changes on protein structure and function (PolyPhen-2) suggests that this variant is likely to be disruptive. In summary, the available evidence is currently insufficient to determine the role of this variant in disease. Therefore, it has been classified as a Variant of Uncertain Significance.

NM_014806.5(RUSC2):c.3139G>A (p.Val1047Met)

Gene: RUSC2 (RUN and SH3 domain containing 2; plus strand). Cytogenetic location: 9p13.3.
Variant type: single nucleotide variant.
Coding change: c.3139G>A on transcript NM_014806.5 (MANE Select); coding-DNA position 3139, G replaced by A.
Protein change: p.Val1047Met; replaces valine 1047 with methionine.
Molecular consequence: missense variant. On other transcripts: non-coding transcript variant (1).
Genome position (GRCh38, 1-based): chr9:35,558,275, G>A. VCF-style: chr9-35558275-G-A. GRCh37 (hg19) VCF-style: chr9-35558272-G-A.
Other names: c.3139G>A, p.Val1047Met (NM_001135999.2); c.505G>A, p.Val169Met (NM_001330740.2); short protein forms V1047M, V169M.
Identifiers: ClinVar variation 3615843 (VCV003615843.2).